The following is an entry in ClinVar:

ClinVar aggregate classification (germline): Uncertain significance (1 of 4 stars; one submission).

Conditions:
Pyogenic bacterial infections due to MyD88 deficiency (IMD68). Also called: PYOGENIC BACTERIAL INFECTIONS, RECURRENT, DUE TO MYD88 DEFICIENCY. Identifiers: Orphanet 183713, MedGen C2677092, MONDO:0012839, OMIM 612260.

gnomAD v4.1: 1 of 1,613,500 alleles (0.000062%); highest among the groups gnomAD compares: Non-Finnish European, 0.000085%; no homozygotes.

Submission:

Labcorp Genetics (formerly Invitae), Labcorp
Classification: Uncertain significance for Pyogenic bacterial infections due to MyD88 deficiency. Last evaluated: 2023-08-27. Review status: criteria provided, single submitter. Criteria: Invitae Variant Classification Sherloc (09022015). Collection method: clinical testing. Allele origin: germline.
Comment: In summary, the available evidence is currently insufficient to determine the role of this variant in disease. Therefore, it has been classified as a Variant of Uncertain Significance. Algorithms developed to predict the effect of missense changes on protein structure and function output the following: SIFT: "Not Available"; PolyPhen-2: "Benign"; Align-GVGD: "Not Available". The lysine amino acid residue is found in multiple mammalian species, which suggests that this missense change does not adversely affect protein function. ClinVar contains an entry for this variant (Variation ID: 1519879). This variant has not been reported in the literature in individuals affected with MYD88-related conditions. This variant is not present in population databases (gnomAD no frequency). This sequence change replaces glutamine, which is neutral and polar, with lysine, which is basic and polar, at codon 135 of the MYD88 protein (p.Gln135Lys).

NM_002468.5(MYD88):c.364C>A (p.Gln122Lys)

Gene: MYD88 (MYD88 innate immune signal transduction adaptor; plus strand). Cytogenetic location: 3p22.2.
Variant type: single nucleotide variant.
Coding change: c.364C>A on transcript NM_002468.5 (MANE Select); coding-DNA position 364, C replaced by A.
Protein change: p.Gln122Lys; replaces glutamine 122 with lysine.
Molecular consequence: missense variant. On other transcripts: intron variant (3).
Genome position (GRCh38, 1-based): chr3:38,139,899, C>A. VCF-style: chr3-38139899-C-A. GRCh37 (hg19) VCF-style: chr3-38181390-C-A.
Other names: c.364C>A, p.Gln122Lys (NM_001172567.2, NM_001172569.3, NM_001365876.1 and 1 more transcripts); c.329-489C>A (NM_001172568.2, NM_001365877.1); c.329-858C>A (NM_001172566.2); short protein forms Q122K.
Identifiers: ClinVar variation 1519879 (VCV001519879.8), dbSNP rs772420311, ClinGen allele CA72883839.